The following is an entry in ClinVar:

NM_000535.7(PMS2):c.2416A>G (p.Met806Val)

Gene: PMS2 (PMS1 homolog 2, mismatch repair system component; minus strand). Cytogenetic location: 7p22.1.
Variant type: single nucleotide variant.
Coding change: c.2416A>G on transcript NM_000535.7 (MANE Select); coding-DNA position 2416, A replaced by G.
Protein change: p.Met806Val; replaces methionine 806 with valine.
Molecular consequence: missense variant. On other transcripts: non-coding transcript variant (1).
Genome position (GRCh38, 1-based): chr7:5,977,617, T>C on the plus strand (A>G on the coding strand, the complement: PMS2 is on the minus strand). VCF-style: chr7-5977617-T-C. GRCh37 (hg19) VCF-style: chr7-6017248-T-C.
Other names: c.2011A>G, p.Met671Val (NM_001322003.2, NM_001322004.2, NM_001322005.2); c.2260A>G, p.Met754Val (NM_001322006.2); c.2098A>G, p.Met700Val (NM_001322007.2, NM_001322008.2); c.2044A>G, p.Met682Val (NM_001322009.2); c.1855A>G, p.Met619Val (NM_001322010.2); c.1483A>G, p.Met495Val (NM_001322011.2, NM_001322012.2); c.1843A>G, p.Met615Val (NM_001322013.2); c.2449A>G, p.Met817Val (NM_001322014.2); and 1 more; short protein forms M619V, M806V, M671V, M700V, M615V, M682V, M703V, M754V.
Identifiers: ClinVar variation 1475053 (VCV001475053.11), dbSNP rs1554293792, ClinGen allele CA366735630.

ClinVar aggregate classification (germline): Uncertain significance. Review status: criteria provided, multiple submitters, no conflicts (2 of 4 stars). 3 submissions from 3 submitters: Uncertain significance (3). Last evaluated 2025-12-15.

Conditions:
Hereditary nonpolyposis colorectal neoplasms. Identifiers: MedGen C0009405, MeSH D003123.
Hereditary cancer-predisposing syndrome. Also called: Neoplastic Syndromes, Hereditary; Hereditary Cancer Syndrome; Tumor predisposition; Hereditary neoplastic syndrome. Identifiers: Orphanet 140162, MedGen C0027672, MeSH D009386, MONDO:0015356.
Mismatch repair cancer syndrome 4. Identifiers: MedGen C5436817, MONDO:0030843, OMIM 619101.
Lynch syndrome 4 (LYNCH4). Also called: Colorectal cancer, hereditary nonpolyposis, type 4; Hereditary non-polyposis colorectal cancer, type 4. Identifiers: Orphanet 144, MedGen C1838333, MONDO:0013699, OMIM 614337. Disease mechanism: loss of function.

Submissions (3):

Labcorp Genetics (formerly Invitae), Labcorp
Classification: Uncertain significance for Hereditary nonpolyposis colorectal neoplasms. Last evaluated: 2025-12-15. Review status: criteria provided, single submitter. Criteria: Invitae Variant Classification Sherloc (09022015). Collection method: clinical testing. Allele origin: germline.
Comment: This sequence change replaces methionine, which is neutral and non-polar, with valine, which is neutral and non-polar, at codon 806 of the PMS2 protein (p.Met806Val). The frequency data for this variant in the population databases (gnomAD) is considered unreliable due to the presence of homologous sequence, such as pseudogenes or paralogs, in the genome. This variant has not been reported in the literature in individuals affected with PMS2-related conditions. ClinVar contains an entry for this variant (Variation ID: 1475053). Invitae Evidence Modeling incorporating data from in vitro experimental studies (internal data) indicates that this missense variant is not expected to disrupt PMS2 function with a negative predictive value of 95%. In summary, the available evidence is currently insufficient to determine the role of this variant in disease. Therefore, it has been classified as a Variant of Uncertain Significance.

Department of Pathology and Laboratory Medicine, Sinai Health System
Classification: Uncertain significance for Lynch syndrome 4; Mismatch repair cancer syndrome 4. Last evaluated: 2023-08-29. Review status: criteria provided, single submitter. Criteria: ACMG Guidelines, 2015. Collection method: clinical testing. Allele origin: germline. Affected: yes.

Color Diagnostics, LLC DBA Color Health
Classification: Uncertain significance for Hereditary cancer-predisposing syndrome. Last evaluated: 2023-07-10. Review status: criteria provided, single submitter. Criteria: ACMG Guidelines, 2015. Collection method: clinical testing. Allele origin: germline.
Comment: This missense variant replaces methionine with valine at codon 806 of the PMS2 protein. Computational prediction suggests that this variant may have deleterious impact on protein structure and function (internally defined REVEL score threshold >= 0.7, PMID: 27666373). To our knowledge, functional studies have not been reported for this variant. This variant has not been reported in individuals affected with PMS2-related disorders in the literature. This variant has not been identified in the general population by the Genome Aggregation Database (gnomAD). The available evidence is insufficient to determine the role of this variant in disease conclusively. Therefore, this variant is classified as a Variant of Uncertain Significance.